The following is an entry in ClinVar:

NM_015340.4(LARS2):c.2560C>A (p.Pro854Thr)

Gene: LARS2 (leucyl-tRNA synthetase 2, mitochondrial; plus strand). Cytogenetic location: 3p21.31.
Variant type: single nucleotide variant.
Coding change: c.2560C>A on transcript NM_015340.4 (MANE Select); coding-DNA position 2560, C replaced by A.
Protein change: p.Pro854Thr; replaces proline 854 with threonine.
Molecular consequence: missense variant.
Genome position (GRCh38, 1-based): chr3:45,547,378, C>A. VCF-style: chr3-45547378-C-A. GRCh37 (hg19) VCF-style: chr3-45588870-C-A.
Other names: c.2560C>A, p.Pro854Thr (NM_001368263.1); short protein forms P854T.
Identifiers: ClinVar variation 593111 (VCV000593111.8), dbSNP rs755182456, ClinGen allele CA2349944.
Genomic context (GRCh38, chr3:45,547,378, plus strand): 5'-CTCATTGTTTATCTTGGCTTTTCTCCTTCTCAGATCAACAATAAAGCTTGTGGCAAAATT[C>A]CTGTGCCCCAACAAGTTGCCCGGGACCAGGACAAAGTCCACGAATTTGTTCTTCAAAGCG-3'
Protein context (NP_056155.1, residues 844-864): LINNKACGKI[Pro854Thr]VPQQVARDQD

ClinVar aggregate classification (germline): Uncertain significance. Review status: criteria provided, multiple submitters, no conflicts (2 of 4 stars). 3 submissions from 3 submitters: Uncertain significance (3). Last evaluated 2024-02-13.

Conditions:
Inborn genetic diseases. Identifiers: MedGen C0950123, MeSH D030342.

Allele frequency attached by ClinVar (database versions not stated): gnomAD below 0.00001 and 0.00001.
gnomAD v4.1: 16 of 1,610,948 alleles (0.00099%); highest among the groups gnomAD compares: South Asian, 0.018%; no homozygotes.

Submissions (3):

Ambry Genetics
Classification: Uncertain significance for Inborn genetic diseases. Last evaluated: 2024-02-13. Review status: criteria provided, single submitter. Criteria: Ambry Variant Classification Scheme 2023. Collection method: clinical testing. Allele origin: germline.

GeneDx
Classification: Uncertain significance. Last evaluated: 2020-01-13. Review status: criteria provided, single submitter. Criteria: GeneDx Variant Classification Process June 2021. Collection method: clinical testing. Allele origin: germline. Affected: yes.
Comment: Not observed at a significant frequency in large population cohorts (Lek et al., 2016); Has not been previously published as pathogenic or benign to our knowledge

Eurofins Ntd Llc (ga)
Classification: Uncertain significance. Last evaluated: 2017-07-25. Review status: criteria provided, single submitter. Criteria: EGL Classification Definitions 2015. Collection method: clinical testing. Allele origin: germline. Observed: 1 variant allele, 1 heterozygote.